The following is an entry in ClinVar:

NM_001854.4(COL11A1):c.4384G>C (p.Gly1462Arg)

Gene: COL11A1 (collagen type XI alpha 1 chain; minus strand). Cytogenetic location: 1p21.1.
Variant type: single nucleotide variant.
Coding change: c.4384G>C on transcript NM_001854.4 (MANE Select); coding-DNA position 4384, G replaced by C.
Protein change: p.Gly1462Arg; replaces glycine 1462 with arginine.
Molecular consequence: missense variant. On other transcripts: non-coding transcript variant (1).
Genome position (GRCh38, 1-based): chr1:102,889,535, C>G on the plus strand (G>C on the coding strand, the complement: COL11A1 is on the minus strand). VCF-style: chr1-102889535-C-G. GRCh37 (hg19) VCF-style: chr1-103355091-C-G.
Other names: c.4267G>C, p.Gly1423Arg (NM_001190709.2); c.4420G>C, p.Gly1474Arg (NM_080629.3); c.4036G>C, p.Gly1346Arg (NM_080630.4); short protein forms G1346R, G1423R, G1462R, G1474R.
Identifiers: ClinVar variation 3253248 (VCV003253248.1), dbSNP rs2524255574.
Genomic context (GRCh38, chr1:102,889,535, plus strand): 5'-GAGATCCTTGAGTTCCAGGGAGCCCTCGGTCACCTTTTTCCCCTTGTTCTCCTGGAGGAC[C>G]AATCAGGCCAATTAAACCAGGATGTCCCTTTGAAAGGCAGAGAAAAAAAATAATAACATG-3'
Protein context (NP_001845.3, residues 1452-1472): KGHPGLIGLI[Gly1462Arg]PPGEQGEKGD

ClinVar aggregate classification (germline): Uncertain significance (1 of 4 stars; one submission).

Submission:

GeneDx
Classification: Uncertain significance. Last evaluated: 2023-08-07. Review status: criteria provided, single submitter. Criteria: GeneDx Variant Classification Process June 2021. Collection method: clinical testing. Allele origin: germline. Affected: yes.
Comment: Not observed at significant frequency in large population cohorts (gnomAD); In silico analysis supports that this missense variant has a deleterious effect on protein structure/function; Has not been previously published as pathogenic or benign to our knowledge; In silico analysis suggests this variant may impact gene splicing. In the absence of RNA/functional studies, the actual effect of this sequence change is unknown.; This variant is associated with the following publications: (PMID: 25240749)